The following is an entry in ClinVar:

NM_004859.4(CLTC):c.1514C>T (p.Ala505Val)

Gene: CLTC (clathrin heavy chain; plus strand). Cytogenetic location: 17q23.1.
Variant type: single nucleotide variant.
Coding change: c.1514C>T on transcript NM_004859.4 (MANE Select); coding-DNA position 1514, C replaced by T.
Protein change: p.Ala505Val; replaces alanine 505 with valine.
Molecular consequence: missense variant.
Genome position (GRCh38, 1-based): chr17:59,663,987, C>T. VCF-style: chr17-59663987-C-T. GRCh37 (hg19) VCF-style: chr17-57741348-C-T.
Other names: c.1526C>T, p.Ala509Val (NM_001288653.2); short protein forms A509V, A505V.
Identifiers: ClinVar variation 2822030 (VCV002822030.3), dbSNP rs1038180264, ClinGen allele CA292147181.

ClinVar aggregate classification (germline): Uncertain significance (1 of 4 stars; one submission).

Allele frequency attached by ClinVar (database versions not stated): TOPMed below 0.00001; gnomAD 0.00001; gnomAD exomes 0.00001.
gnomAD v4.1: 11 of 1,610,368 alleles (0.00068%); highest among the groups gnomAD compares: Non-Finnish European, 0.00093%; no homozygotes.

Submission:

Labcorp Genetics (formerly Invitae), Labcorp
Classification: Uncertain significance. Last evaluated: 2024-10-09. Review status: criteria provided, single submitter. Criteria: Invitae Variant Classification Sherloc (09022015). Collection method: clinical testing. Allele origin: germline.
Comment: This sequence change replaces alanine, which is neutral and non-polar, with valine, which is neutral and non-polar, at codon 509 of the CLTC protein (p.Ala509Val). This variant is not present in population databases (gnomAD no frequency). This variant has not been reported in the literature in individuals affected with CLTC-related conditions. Invitae Evidence Modeling of protein sequence and biophysical properties (such as structural, functional, and spatial information, amino acid conservation, physicochemical variation, residue mobility, and thermodynamic stability) indicates that this missense variant is not expected to disrupt CLTC protein function with a negative predictive value of 80%. In summary, the available evidence is currently insufficient to determine the role of this variant in disease. Therefore, it has been classified as a Variant of Uncertain Significance.